The following is an entry in ClinVar:

NM_000140.5(FECH):c.362A>G (p.Glu121Gly)

Gene: FECH (ferrochelatase; minus strand). Cytogenetic location: 18q21.31.
Variant type: single nucleotide variant.
Coding change: c.362A>G on transcript NM_000140.5 (MANE Select); coding-DNA position 362, A replaced by G.
Protein change: p.Glu121Gly; replaces glutamic acid 121 with glycine.
Molecular consequence: missense variant.
Genome position (GRCh38, 1-based): chr18:57,571,493, T>C on the plus strand (A>G on the coding strand, the complement: FECH is on the minus strand). VCF-style: chr18-57571493-T-C. GRCh37 (hg19) VCF-style: chr18-55238725-T-C.
Other names: c.380A>G, p.Glu127Gly (NM_001012515.4); c.362A>G, p.Glu121Gly (NM_001371094.1, NM_001374778.1); c.146A>G, p.Glu49Gly (NM_001371095.1); short protein forms E121G, E127G, E49G.
Identifiers: ClinVar variation 327433 (VCV000327433.20), dbSNP rs141813907, ClinGen allele CA8973219.

ClinVar aggregate classification (germline): Conflicting classifications of pathogenicity. Review status: criteria provided, conflicting classifications (1 of 4 stars). 6 submissions from 6 submitters: Uncertain significance (5); Likely benign (1). Last evaluated 2025-12-23.

Conditions:
Protoporphyria, erythropoietic, 1 (EPP1). Also called: Erythropoietic Protoporphyria, Autosomal Recessive; FERROCHELATASE DEFICIENCY; HEME SYNTHETASE DEFICIENCY. Identifiers: Orphanet 79278, MedGen C4692546, MONDO:0008319, OMIM 177000.

Allele frequency attached by ClinVar (database versions not stated): 1000 Genomes Project 30x 0.00031; 1000 Genomes Project 0.00040; TOPMed 0.00041; gnomAD exomes 0.00043 and 0.00046; ExAC 0.00053; ESP Exome Variant Server 0.00069.
gnomAD v4.1: 748 of 1,613,988 alleles (0.046%); highest among the groups gnomAD compares: Middle Eastern, 0.13%; 1 homozygote.

Submissions (6):

Labcorp Genetics (formerly Invitae), Labcorp
Classification: Likely benign. Last evaluated: 2025-12-23. Review status: criteria provided, single submitter. Criteria: Invitae Variant Classification Sherloc (09022015). Collection method: clinical testing. Allele origin: germline.

Blueprint Genetics
Classification: Uncertain significance. Last evaluated: 2024-11-17. Review status: criteria provided, single submitter. Criteria: ACMG Guidelines, 2015. Collection method: clinical testing. Allele origin: germline.

Women's Health and Genetics/Laboratory Corporation of America, LabCorp
Classification: Uncertain significance. Last evaluated: 2022-05-23. Review status: criteria provided, single submitter. Criteria: LabCorp Variant Classification Summary - May 2015. Collection method: clinical testing. Allele origin: germline.
Comment: Variant summary: FECH c.362A>G (p.Glu121Gly) results in a non-conservative amino acid change located in the Ferrochelatase, N-terminal domain (IPR033659) of the encoded protein sequence. Three of five in-silico tools predict a damaging effect of the variant on protein function. The variant allele was found at a frequency of 0.00043 in 251474 control chromosomes in the gnomAD database, including 1 homozygote. This frequency does not allow conclusions about variant significance. c.362A>G has been reported in the literature in individuals affected with Protoporphyria, Erythropoietic, 1 (example, Balwani_2013, non-primary report). These report(s) do not provide unequivocal conclusions about association of the variant with Protoporphyria, Erythropoietic, 1. To our knowledge, no experimental evidence demonstrating an impact on protein function has been reported. Three clinical diagnostic laboratories have submitted clinical-significance assessments for this variant to ClinVar after 2014 without evidence for independent evaluation (VUS, n=2; Likely Benign, n=1). Based on the evidence outlined above, the variant was classified as uncertain significance.

Department of Pathology and Laboratory Medicine, Sinai Health System
Classification: Uncertain significance for Protoporphyria, erythropoietic, 1. Last evaluated: 2021-07-30. Review status: criteria provided, single submitter. Criteria: ACMG Guidelines, 2015. Collection method: research. Allele origin: germline.

Laboratorio de Genetica e Diagnostico Molecular, Hospital Israelita Albert Einstein
Classification: Uncertain significance. Last evaluated: 2020-11-13. Review status: criteria provided, single submitter. Criteria: ACMG Guidelines, 2015. Collection method: clinical testing. Allele origin: germline. Affected: yes.
Comment: ACMG classification criteria: PP3, BS1

Laboratory for Molecular Medicine, Mass General Brigham Personalized Medicine
Classification: Uncertain significance. Last evaluated: 2016-06-02. Review status: criteria provided, single submitter. Criteria: LMM Criteria. Collection method: clinical testing. Allele origin: germline.
Comment: Variant identified in a genome or exome case(s) and assessed due to predicted null impact of the variant or pathogenic assertions in the literature or databases. Disclaimer: This variant has not undergone full assessment. The following are preliminary notes: literature non available

Literature cited by the submitters: PubMed 23364466 (cited by Women's Health and Genetics/Laboratory Corporation of America, LabCorp).